The following is an entry in ClinVar:

ClinVar aggregate classification (germline): Likely benign (1 of 4 stars; one submission).

gnomAD v4.1: 23 of 1,613,878 alleles (0.0014%); highest among the groups gnomAD compares: Admixed American, 0.028%; no homozygotes.

Submission:

CeGaT Center for Human Genetics Tuebingen
Classification: Likely benign. Last evaluated: 2026-06-01. Review status: criteria provided, single submitter. Criteria: CeGaT Center For Human Genetics Tuebingen Variant Classification Criteria Version 2. Collection method: clinical testing. Allele origin: germline. Affected: yes. Observed: 1 variant allele.
Comment: EFTUD2: PP2, PP3, BS2

NM_004247.4(EFTUD2):c.2495A>G (p.Tyr832Cys)

Gene: EFTUD2 (elongation factor Tu GTP binding domain containing 2; minus strand). Cytogenetic location: 17q21.31.
Variant type: single nucleotide variant.
Coding change: c.2495A>G on transcript NM_004247.4 (MANE Select); coding-DNA position 2495, A replaced by G.
Protein change: p.Tyr832Cys; replaces tyrosine 832 with cysteine.
Molecular consequence: missense variant.
Genome position (GRCh38, 1-based): chr17:44,853,362, T>C on the plus strand (A>G on the coding strand, the complement: EFTUD2 is on the minus strand). VCF-style: chr17-44853362-T-C. GRCh37 (hg19) VCF-style: chr17-42930730-T-C.
Other names: c.2390A>G, p.Tyr797Cys (NM_001142605.2); c.2495A>G, p.Tyr832Cys (NM_001258353.2); c.2465A>G, p.Tyr822Cys (NM_001258354.2); short protein forms Y797C, Y822C, Y832C.
Identifiers: ClinVar variation 4875174 (VCV004875174.2).